The following is an entry in ClinVar:

ClinVar aggregate classification (germline): Uncertain significance (1 of 4 stars; one submission).

Allele frequency attached by ClinVar (database versions not stated): gnomAD exomes below 0.00001 and 0.00001; ExAC 0.00002; TOPMed 0.00004; gnomAD 0.00005; ESP Exome Variant Server 0.00015.
gnomAD v4.1: 11 of 1,614,046 alleles (0.00068%); highest among the groups gnomAD compares: African/African-American, 0.015%; no homozygotes.

Submission:

GeneDx
Classification: Uncertain significance. Last evaluated: 2020-12-15. Review status: criteria provided, single submitter. Criteria: GeneDx Variant Classification Process June 2021. Collection method: clinical testing. Allele origin: germline. Affected: yes.
Comment: In silico analysis supports that this missense variant does not alter protein structure/function; This variant is associated with the following publications: (PMID: 23772360)

NM_001048166.1(STIL):c.614A>G (p.Lys205Arg)

Gene: STIL (STIL centriolar assembly protein; minus strand). Cytogenetic location: 1p33.
Variant type: single nucleotide variant.
Coding change: c.614A>G on transcript NM_001048166.1 (MANE Select); coding-DNA position 614, A replaced by G.
Protein change: p.Lys205Arg; replaces lysine 205 with arginine.
Molecular consequence: missense variant. On other transcripts: intron variant (3).
Genome position (GRCh38, 1-based): chr1:47,299,992, T>C on the plus strand (A>G on the coding strand, the complement: STIL is on the minus strand). VCF-style: chr1-47299992-T-C. GRCh37 (hg19) VCF-style: chr1-47765664-T-C.
Other names: c.614A>G, p.Lys205Arg (NM_001282936.1, NM_001282937.1, NM_003035.2); c.497-24A>G (NM_001377417.1, NM_001282939.1, NM_001282938.1); short protein forms K205R.
Identifiers: ClinVar variation 1303216 (VCV001303216.2), dbSNP rs148947235, ClinGen allele CA842560.